The following is an entry in ClinVar:

ClinVar aggregate classification (germline): Uncertain significance. Review status: criteria provided, multiple submitters, no conflicts (2 of 4 stars). 2 submissions from 2 submitters: Uncertain significance (2). Last evaluated 2024-05-20.

Conditions:
Inborn genetic diseases. Identifiers: MedGen C0950123, MeSH D030342.

Allele frequency attached by ClinVar (database versions not stated): gnomAD 0.00001; TOPMed 0.00001; gnomAD exomes 0.00003.
gnomAD v4.1: 38 of 1,603,334 alleles (0.0024%); highest among the groups gnomAD compares: Non-Finnish European, 0.0032%; no homozygotes.

Submissions (2):

Ambry Genetics
Classification: Uncertain significance for Inborn genetic diseases. Last evaluated: 2024-05-20. Review status: criteria provided, single submitter. Criteria: Ambry Variant Classification Scheme 2023. Collection method: clinical testing. Allele origin: germline.

CeGaT Center for Human Genetics Tuebingen
Classification: Uncertain significance. Last evaluated: 2022-09-01. Review status: criteria provided, single submitter. Criteria: CeGaT Center For Human Genetics Tuebingen Variant Classification Criteria Version 2. Collection method: clinical testing. Allele origin: germline. Affected: yes. Observed: 1 variant allele.
Comment: LRRK1: PM2, BP4

NM_024652.6(LRRK1):c.283G>A (p.Ala95Thr)

Gene: LRRK1 (leucine rich repeat kinase 1; plus strand). Cytogenetic location: 15q26.3.
Variant type: single nucleotide variant.
Coding change: c.283G>A on transcript NM_024652.6 (MANE Select); coding-DNA position 283, G replaced by A.
Protein change: p.Ala95Thr; replaces alanine 95 with threonine.
Molecular consequence: missense variant.
Genome position (GRCh38, 1-based): chr15:100,983,549, G>A. VCF-style: chr15-100983549-G-A. GRCh37 (hg19) VCF-style: chr15-101523754-G-A.
Other names: short protein forms A95T.
Identifiers: ClinVar variation 2367477 (VCV002367477.27), dbSNP rs901489770, ClinGen allele CA275593156.
Genomic context (GRCh38, chr15:100,983,549, plus strand): 5'-AGAGCCAGTCTCACTGGAGCCCTGTTCTGTTTTGACCAGGGCCAGCTTCTGAGCATCCCG[G>A]CAGCCTATGGGGATCTGGAGATGGTCCGCTACCTACTCAGCAAGAGACTGGTGGAGCTGC-3'
Protein context (NP_078928.3, residues 85-105): LEKGQLLSIP[Ala95Thr]AYGDLEMVRY